The following is an entry in ClinVar:

ClinVar aggregate classification (germline): Uncertain significance. Review status: criteria provided, multiple submitters, no conflicts (2 of 4 stars). 2 submissions from 2 submitters: Uncertain significance (2). Last evaluated 2022-09-22.

Conditions:
Inborn genetic diseases. Identifiers: MedGen C0950123, MeSH D030342.
Progressive external ophthalmoplegia with mitochondrial DNA deletions, autosomal recessive 5. Also called: PROGRESSIVE EXTERNAL OPHTHALMOPLEGIA, AUTOSOMAL RECESSIVE 5. Identifiers: MedGen C4748184, MONDO:0020845, OMIM 618098.

Allele frequency attached by ClinVar (database versions not stated): gnomAD exomes below 0.00001 and 0.00001; TOPMed below 0.00001; gnomAD 0.00001.

Submissions (2):

Ambry Genetics
Classification: Uncertain significance for Inborn genetic diseases. Last evaluated: 2022-09-22. Review status: criteria provided, single submitter. Criteria: Ambry Variant Classification Scheme 2023. Collection method: clinical testing. Allele origin: germline.

Baylor Genetics
Classification: Uncertain significance for Progressive external ophthalmoplegia with mitochondrial DNA deletions, autosomal recessive 5. Last evaluated: 2020-02-24. Review status: criteria provided, single submitter. Criteria: ACMG Guidelines, 2015. Collection method: clinical testing. Allele origin: unknown. Affected: yes.
Comment: This variant was determined to be of uncertain significance according to ACMG Guidelines, 2015 [PMID:25741868].

NM_004618.5(TOP3A):c.1982G>A (p.Cys661Tyr)

Gene: TOP3A (DNA topoisomerase III alpha; minus strand). Cytogenetic location: 17p11.2.
Variant type: single nucleotide variant.
Coding change: c.1982G>A on transcript NM_004618.5 (MANE Select); coding-DNA position 1982, G replaced by A.
Protein change: p.Cys661Tyr; replaces cysteine 661 with tyrosine.
Molecular consequence: missense variant.
Genome position (GRCh38, 1-based): chr17:18,282,737, C>T on the plus strand (G>A on the coding strand, the complement: TOP3A is on the minus strand). VCF-style: chr17-18282737-C-T. GRCh37 (hg19) VCF-style: chr17-18186051-C-T.
Other names: c.1697G>A, p.Cys566Tyr (NM_001320759.2); short protein forms C661Y, C566Y.
Identifiers: ClinVar variation 1028282 (VCV001028282.4), dbSNP rs1214589149, ClinGen allele CA398627876.